The following is an entry in ClinVar:

ClinVar aggregate classification (germline): Conflicting classifications of pathogenicity. Review status: criteria provided, conflicting classifications (1 of 4 stars). 5 submissions from 5 submitters: Uncertain significance (4); Benign (1). Last evaluated 2025-12-13.

Conditions:
Neurofibromatosis, type 1 (NF1). Also called: Neurofibromatosis, type I; Peripheral type neurofibromatosis; VON RECKLINGHAUSEN DISEASE; NEUROFIBROMATOSIS, TYPE I, SOMATIC. Identifiers: Orphanet 636, MedGen C0027831, MONDO:0018975, OMIM 162200. Disease mechanism: loss of function.
Cardiovascular phenotype. Identifiers: MedGen CN230736.
Hereditary cancer-predisposing syndrome. Also called: Neoplastic Syndromes, Hereditary; Tumor predisposition; Hereditary neoplastic syndrome; Hereditary Cancer Syndrome. Identifiers: Orphanet 140162, MedGen C0027672, MeSH D009386, MONDO:0015356.

Allele frequency attached by ClinVar (database versions not stated): gnomAD exomes below 0.00001.
gnomAD v4.1: 1 of 1,614,134 alleles (0.000062%); highest among the groups gnomAD compares: Admixed American, 0.0017%; no homozygotes.

Submissions (5):

Labcorp Genetics (formerly Invitae), Labcorp
Classification: Benign for Neurofibromatosis, type 1. Last evaluated: 2025-12-13. Review status: criteria provided, single submitter. Criteria: Invitae Variant Classification Sherloc (09022015). Collection method: clinical testing. Allele origin: germline.

Dasa
Classification: Uncertain significance for neurofibromatosis type 1. Last evaluated: 2025-10-09. Review status: criteria provided, single submitter. Criteria: DASA Assertion Criteria. Collection method: clinical testing. Allele origin: germline.
Comment: NM_001042492.3(NF1):c.3428A>G (p.His1143Arg) is a missense variant that results in the substitution of histidine with arginine. The affected residue or protein region has prior evidence supporting clinical relevance. This variant is rare in population databases. The currently available literature and clinical evidence are not sufficient to establish a definitive association between this variant and the reported condition. Therefore, this variant is classified as a variant of uncertain significance.

GeneDx
Classification: Uncertain significance. Last evaluated: 2025-09-23. Review status: criteria provided, single submitter. Criteria: GeneDx Variant Classification Process June 2021. Collection method: clinical testing. Allele origin: germline. Affected: yes.
Comment: Not observed at significant frequency in large population cohorts (gnomAD); In silico analysis suggests that this missense variant does not alter protein structure/function; Has not been previously published as pathogenic or benign to our knowledge; This variant is associated with the following publications: (PMID: 25486365, 2121369, 22807134)

Ambry Genetics
Classification: Uncertain significance for Cardiovascular phenotype; Hereditary cancer-predisposing syndrome. Last evaluated: 2023-02-15. Review status: criteria provided, single submitter. Criteria: Ambry Variant Classification Scheme 2023. Collection method: clinical testing. Allele origin: germline.
Comment: The p.H1143R variant (also known as c.3428A>G), located in coding exon 26 of the NF1 gene, results from an A to G substitution at nucleotide position 3428. The histidine at codon 1143 is replaced by arginine, an amino acid with highly similar properties. This amino acid position is highly conserved in available vertebrate species. In addition, the in silico prediction for this alteration is inconclusive. Since supporting evidence is limited at this time, the clinical significance of this alteration remains unclear.

Genome-Nilou Lab
Classification: Uncertain significance for Neurofibromatosis, type 1. Last evaluated: 2022-03-15. Review status: criteria provided, single submitter. Criteria: ACMG Guidelines, 2015. Collection method: clinical testing. Allele origin: germline. Affected: no.

NM_001042492.3(NF1):c.3428A>G (p.His1143Arg)

Gene: NF1 (neurofibromin 1; plus strand). Cytogenetic location: 17q11.2.
Variant type: single nucleotide variant.
Coding change: c.3428A>G on transcript NM_001042492.3 (MANE Select); coding-DNA position 3428, A replaced by G.
Protein change: p.His1143Arg; replaces histidine 1143 with arginine.
Molecular consequence: missense variant.
Genome position (GRCh38, 1-based): chr17:31,232,813, A>G. VCF-style: chr17-31232813-A-G. GRCh37 (hg19) VCF-style: chr17-29559831-A-G.
Other names: c.3428A>G, p.His1143Arg (NM_000267.4); short protein forms H1143R.
Identifiers: ClinVar variation 457649 (VCV000457649.17), dbSNP rs1555614965, ClinGen allele CA398989233.
Genomic context (GRCh38, chr17:31,232,813, plus strand): 5'-AAAGTGCGCAAACAGGTGGCAGGAAACGTGGCATGTCTCGGAGGCTGGCATCACTGAGGC[A>G]CTGTACGGTCCTTGCAATGTCAAACTTACTCAATGCCAACGTAGACAGTGGTCTCATGCA-3'
Protein context (NP_001035957.1, residues 1133-1153): GMSRRLASLR[His1143Arg]CTVLAMSNLL